The following is an entry in ClinVar:

ClinVar aggregate classification (germline): Likely benign (0 of 4 stars; one submission).

Conditions:
HNF1B-related disorder. Also called: HNF1B-related disorders; HNF1B-related condition.

gnomAD v4.1: 20 of 1,613,182 alleles (0.0012%); highest among the groups gnomAD compares: Non-Finnish European, 0.0014%; no homozygotes.

Submission:

PreventionGenetics, part of Exact Sciences
Classification: Likely benign for HNF1B-related condition. Last evaluated: 2023-03-23. Review status: no assertion criteria provided. Collection method: clinical testing. Allele origin: germline.
Comment: This variant is classified as likely benign based on ACMG/AMP sequence variant interpretation guidelines (Richards et al. 2015 PMID: 25741868, with internal and published modifications).

NM_000458.4(HNF1B):c.225C>T (p.Ser75=)

Gene: HNF1B (HNF1 homeobox B; minus strand). Cytogenetic location: 17q12.
Variant type: single nucleotide variant.
Coding change: c.225C>T on transcript NM_000458.4 (MANE Select); coding-DNA position 225, C replaced by T.
Protein change: p.Ser75=; no amino-acid change (serine 75 retained).
Molecular consequence: synonymous variant.
Genome position (GRCh38, 1-based): chr17:37,744,660, G>A on the plus strand (C>T on the coding strand, the complement: HNF1B is on the minus strand). VCF-style: chr17-37744660-G-A. GRCh37 (hg19) VCF-style: chr17-36104651-G-A.
Other names: c.225C>T, p.Ser75= (NM_001165923.4, NM_001304286.2, NM_001411100.1).
Identifiers: ClinVar variation 3044149 (VCV003044149.2), dbSNP rs1248201013, ClinGen allele CA499880096.